The following is an entry in ClinVar:

ClinVar aggregate classification (germline): Benign. Review status: criteria provided, multiple submitters, no conflicts (2 of 4 stars). 2 submissions from 2 submitters: Benign (2). Last evaluated 2018-06-14.

Allele frequency attached by ClinVar (database versions not stated): gnomAD exomes 0.33450; TOPMed 0.37700; gnomAD 0.38195 and 0.38951; 1000 Genomes Project 0.39377.
gnomAD v4.1: 74,087 of 197,100 alleles (38%); highest among the groups gnomAD compares: South Asian, 49%; 14,390 homozygotes.

Submissions (2):

GeneDx
Classification: Benign. Last evaluated: 2018-06-14. Review status: criteria provided, single submitter. Criteria: GeneDx Variant Classification (06012015). Collection method: clinical testing. Allele origin: germline. Affected: yes.
Comment: This variant is considered likely benign or benign based on one or more of the following criteria: it is a conservative change, it occurs at a poorly conserved position in the protein, it is predicted to be benign by multiple in silico algorithms, and/or has population frequency not consistent with disease.

Breakthrough Genomics
Classification: Benign. Review status: criteria provided, single submitter. Criteria: ACMG Guidelines, 2015. Collection method: not provided. Allele origin: germline. Inheritance: Autosomal dominant inheritance. Affected: yes.

NM_001134407.3(GRIN2A):c.2357-247C>A

Gene: GRIN2A (glutamate ionotropic receptor NMDA type subunit 2A; minus strand). Cytogenetic location: 16p13.2.
Variant type: single nucleotide variant.
Coding change: c.2357-247C>A on transcript NM_001134407.3 (MANE Select); 247 bases into the intron before coding-DNA position 2357, C replaced by A.
Molecular consequence: intron variant.
Genome position (GRCh38, 1-based): chr16:9,769,336, G>T on the plus strand (C>A on the coding strand, the complement: GRIN2A is on the minus strand). VCF-style: chr16-9769336-G-T. GRCh37 (hg19) VCF-style: chr16-9863193-G-T.
Other names: c.2357-247C>A (NM_001134408.2, NM_000833.5).
Identifiers: ClinVar variation 681808 (VCV000681808.2), dbSNP rs2872825, ClinGen allele CA277546879.
Genomic context (GRCh38, chr16:9,769,336, plus strand): 5'-AATATTGTTGCAGTGAGGACAAAATTTATATATAAAAATAGAGAATATAATATATATATA[G>T]AGAGAGAGTATAGCAAACTTATTCTCTATTAATATGTATATATATTATATATTATATACA-3'